The following is an entry in ClinVar:

ClinVar aggregate classification (germline): Benign (1 of 4 stars; one submission).

Conditions:
Familial adenomatous polyposis 1 (FAP1). Also called: POLYPOSIS, ADENOMATOUS INTESTINAL; FAMILIAL ADENOMATOUS POLYPOSIS 1, ATTENUATED. Identifiers: MedGen C2713442, MONDO:0021056, OMIM 175100. Disease mechanism: loss of function.

Submission:

Myriad Genetics, Inc.
Classification: Benign for Familial adenomatous polyposis 1. Last evaluated: 2024-03-22. Review status: criteria provided, single submitter. Criteria: Myriad Autosomal Dominant, Autosomal Recessive and X-Linked Classification Criteria (2023). Collection method: clinical testing. Allele origin: unknown.
Comment: This variant is considered benign. This variant is a silent/synonymous amino acid change and it is not expected to impact splicing.

NM_000038.6(APC):c.3840G>A (p.Leu1280=)

Gene: APC (APC regulator of Wnt signaling pathway; plus strand). Cytogenetic location: 5q22.2.
Variant type: single nucleotide variant.
Coding change: c.3840G>A on transcript NM_000038.6 (MANE Select); coding-DNA position 3840, G replaced by A.
Protein change: p.Leu1280=; no amino-acid change (leucine 1280 retained).
Molecular consequence: synonymous variant. On other transcripts: non-coding transcript variant (2).
Genome position (GRCh38, 1-based): chr5:112,839,434, G>A. VCF-style: chr5-112839434-G-A. GRCh37 (hg19) VCF-style: chr5-112175131-G-A.
Other names: c.3924G>A, p.Leu1308= (NM_001407446.1); c.3894G>A, p.Leu1298= (NM_001407447.1, NM_001407448.1, NM_001407449.1 and 1 more transcripts); c.3819G>A, p.Leu1273= (NM_001407451.1); c.3810G>A, p.Leu1270= (NM_001407452.1); c.3840G>A, p.Leu1280= (NM_001407450.1, NM_001127510.3, NM_001354895.2); c.3786G>A, p.Leu1262= (NM_001127511.3); c.3870G>A, p.Leu1290= (NM_001354897.2); c.3765G>A, p.Leu1255= (NM_001354898.2); and 11 more.
Identifiers: ClinVar variation 3148074 (VCV003148074.1), dbSNP rs2149900186, ClinGen allele CA445963732.